The following is an entry in ClinVar:

ClinVar aggregate classification (germline): Likely benign. Review status: criteria provided, multiple submitters, no conflicts (2 of 4 stars). 2 submissions from 2 submitters: Likely benign (2). Last evaluated 2025-12-18.

Conditions:
PCSK1-related disorder. Also called: PCSK1-related condition.

gnomAD v4.1: 11 of 1,614,122 alleles (0.00068%); highest among the groups gnomAD compares: Non-Finnish European, 0.00093%; no homozygotes.

Submissions (2):

PreventionGenetics, part of Exact Sciences
Classification: Likely benign for PCSK1-related condition. Last evaluated: 2025-12-18. Review status: criteria provided, single submitter. Criteria: ACMG Guidelines, 2015. Collection method: clinical testing. Allele origin: germline.
Comment: This variant is classified as likely benign based on ACMG/AMP sequence variant interpretation guidelines (Richards et al. 2015 PMID: 25741868, with internal and published modifications).

Blueprint Genetics
Classification: Likely benign. Last evaluated: 2021-09-22. Review status: criteria provided, single submitter. Criteria: ACMG Guidelines, 2015. Collection method: clinical testing. Allele origin: germline.

NM_000439.5(PCSK1):c.1041C>T (p.Cys347=)

Genes: CAST (calpastatin; plus strand), PCSK1 (proprotein convertase subtilisin/kexin type 1; minus strand), LOC101929710 (uncharacterized LOC101929710; plus strand). Cytogenetic location: 5q15.
Variant type: single nucleotide variant.
Coding change: c.1041C>T on transcript NM_000439.5 (MANE Select); coding-DNA position 1041, C replaced by T.
Protein change: p.Cys347=; no amino-acid change (cysteine 347 retained).
Molecular consequence: synonymous variant. On other transcripts: intron variant (11).
Genome position (GRCh38, 1-based): chr5:96,410,828, G>A on the plus strand (C>T on the coding strand, the complement: PCSK1 is on the minus strand). VCF-style: chr5-96410828-G-A. GRCh37 (hg19) VCF-style: chr5-95746532-G-A.
Other names: c.900C>T, p.Cys300= (NM_001177875.2); c.-175+31176G>A (NM_001423254.1, NM_001423259.1, NM_001423255.1 and 6 more transcripts); c.-103+31176G>A (NM_001423253.1); c.-40+31176G>A (NM_001423258.1).
Identifiers: ClinVar variation 4971540 (VCV004971540.2).
Genomic context (GRCh38, chr5:96,410,828, plus strand): 5'-ACATACGATTCTCTGGTCGGTGTAATCTCCGCTGCTGTAAGAGGTGGCCAGTGTGGAGGA[G>A]CACTTCTCAGCGTACCAGGGGGATAGGCCTTGCTGGGAGGCACTGCTGATGGAGATGGTG-3'
Protein context (NP_000430.3, residues 337-357): QGLSPWYAEK[Cys347=]SSTLATSYSS